The following is an entry in ClinVar:

ClinVar aggregate classification (germline): Uncertain significance (1 of 4 stars; one submission).

Submission:

GeneDx
Classification: Uncertain significance. Last evaluated: 2025-10-21. Review status: criteria provided, single submitter. Criteria: GeneDx Variant Classification Process June 2021. Collection method: clinical testing. Allele origin: germline.
Comment: Not observed at significant frequency in large population cohorts (gnomAD); In silico analysis supports that this missense variant has a deleterious effect on protein structure/function; Observed as a de novo with confirmed parentage an individual from an aggregate dataset involving de novo variants in patients with developmental disorders in the published literature; this individual also harbored de novo variant in additional genes (PMID: 35982159); This variant is associated with the following publications: (PMID: 35982160, 35982159)

NM_004793.4(LONP1):c.1894A>G (p.Lys632Glu)

Gene: LONP1 (lon peptidase 1, mitochondrial; minus strand). Cytogenetic location: 19p13.3.
Variant type: single nucleotide variant.
Coding change: c.1894A>G on transcript NM_004793.4 (MANE Select); coding-DNA position 1894, A replaced by G.
Protein change: p.Lys632Glu; replaces lysine 632 with glutamic acid.
Molecular consequence: missense variant. On other transcripts: non-coding transcript variant (1).
Genome position (GRCh38, 1-based): chr19:5,696,251, T>C on the plus strand (A>G on the coding strand, the complement: LONP1 is on the minus strand). VCF-style: chr19-5696251-T-C. GRCh37 (hg19) VCF-style: chr19-5696262-T-C.
Other names: c.1702A>G, p.Lys568Glu (NM_001276479.2); c.1306A>G, p.Lys436Glu (NM_001276480.1); short protein forms K436E, K568E, K632E.
Identifiers: ClinVar variation 4072491 (VCV004072491.2).